The following is an entry in ClinVar:

ClinVar aggregate classification (germline): Uncertain significance (0 of 4 stars; one submission).

Conditions:
KMT2D-related disorder. Also called: KMT2D-Related Disorders.

gnomAD v4.1: 3 of 1,613,692 alleles (0.00019%); highest among the groups gnomAD compares: Non-Finnish European, 0.00025%; no homozygotes.

Submission:

PreventionGenetics, part of Exact Sciences
Classification: Uncertain significance for KMT2D-related condition. Last evaluated: 2024-06-07. Review status: no assertion criteria provided. Collection method: clinical testing. Allele origin: germline.
Comment: The KMT2D c.2194C>G variant is predicted to result in the amino acid substitution p.Pro732Ala. To our knowledge, this variant has not been reported in the literature or in a large population database, indicating this variant is rare. At this time, the clinical significance of this variant is uncertain due to the absence of conclusive functional and genetic evidence.

NM_003482.4(KMT2D):c.2194C>G (p.Pro732Ala)

Gene: KMT2D (lysine methyltransferase 2D; minus strand). Cytogenetic location: 12q13.12.
Variant type: single nucleotide variant.
Coding change: c.2194C>G on transcript NM_003482.4 (MANE Select); coding-DNA position 2194, C replaced by G.
Protein change: p.Pro732Ala; replaces proline 732 with alanine.
Molecular consequence: missense variant.
Genome position (GRCh38, 1-based): chr12:49,051,489, G>C on the plus strand (C>G on the coding strand, the complement: KMT2D is on the minus strand). VCF-style: chr12-49051489-G-C. GRCh37 (hg19) VCF-style: chr12-49445272-G-C.
Other names: short protein forms P732A.
Identifiers: ClinVar variation 3345841 (VCV003345841.1).